The following is an entry in ClinVar:

NM_024915.4(GRHL2):c.1264G>T (p.Glu422Ter)

Gene: GRHL2 (grainyhead like transcription factor 2; plus strand). Cytogenetic location: 8q22.3.
Variant type: single nucleotide variant.
Coding change: c.1264G>T on transcript NM_024915.4 (MANE Select); coding-DNA position 1264, G replaced by T.
Protein change: p.Glu422Ter; replaces glutamic acid 422 with a stop codon.
Molecular consequence: nonsense.
Genome position (GRCh38, 1-based): chr8:101,631,643, G>T. VCF-style: chr8-101631643-G-T. GRCh37 (hg19) VCF-style: chr8-102643871-G-T.
Other names: c.1216G>T, p.Glu406Ter (NM_001330593.2); short protein forms E422*, E406*.
Identifiers: ClinVar variation 620467 (VCV000620467.2), dbSNP rs1027822378, ClinGen allele CA182429624.

ClinVar aggregate classification (germline): Likely pathogenic (1 of 4 stars; one submission).

Submission:

GeneDx
Classification: Likely pathogenic. Last evaluated: 2019-08-07. Review status: criteria provided, single submitter. Criteria: GeneDx Variant Classification Process June 2021. Collection method: clinical testing. Allele origin: germline. Affected: yes.
Comment: Nonsense variant predicted to result in protein truncation or nonsense mediated decay in a gene for which loss-of-function is a known mechanism of disease; Not observed in large population cohorts (Lek et al., 2016); Has not been previously published as pathogenic or benign to our knowledge